The following is an entry in ClinVar:

ClinVar aggregate classification (germline): Benign. Review status: criteria provided, multiple submitters, no conflicts (2 of 4 stars). 2 submissions from 2 submitters: Benign (2). Last evaluated 2018-06-14.

Allele frequency attached by ClinVar (database versions not stated): gnomAD exomes 0.00331; gnomAD 0.03504 and 0.03770; 1000 Genomes Project 0.03894; TOPMed 0.04025; 1000 Genomes Project 30x 0.04341.
gnomAD v4.1: 10,309 of 1,582,198 alleles (0.65%); highest among the groups gnomAD compares: African/African-American, 12%; 590 homozygotes.

Submissions (2):

GeneDx
Classification: Benign. Last evaluated: 2018-06-14. Review status: criteria provided, single submitter. Criteria: GeneDx Variant Classification (06012015). Collection method: clinical testing. Allele origin: germline. Affected: yes.
Comment: This variant is considered likely benign or benign based on one or more of the following criteria: it is a conservative change, it occurs at a poorly conserved position in the protein, it is predicted to be benign by multiple in silico algorithms, and/or has population frequency not consistent with disease.

Breakthrough Genomics
Classification: Benign. Review status: criteria provided, single submitter. Criteria: ACMG Guidelines, 2015. Collection method: not provided. Allele origin: germline. Inheritance: Autosomal recessive inheritance. Affected: yes.

NM_001377.3(DYNC2H1):c.10891-55G>A

Gene: DYNC2H1 (dynein cytoplasmic 2 heavy chain 1; plus strand). Cytogenetic location: 11q22.3.
Variant type: single nucleotide variant.
Coding change: c.10891-55G>A on transcript NM_001377.3 (MANE Select); 55 bases into the intron before coding-DNA position 10891, G replaced by A.
Molecular consequence: intron variant.
Genome position (GRCh38, 1-based): chr11:103,286,200, G>A. VCF-style: chr11-103286200-G-A. GRCh37 (hg19) VCF-style: chr11-103156929-G-A.
Other names: c.10912-55G>A (NM_001080463.2).
Identifiers: ClinVar variation 675166 (VCV000675166.2), dbSNP rs10437714, ClinGen allele CA227420839.
Genomic context (GRCh38, chr11:103,286,200, plus strand): 5'-GAAGAGTAATAAACATCAACCAATAATTGGTTCTCACTTTTAGTTTTTTTAAAAATAAAT[G>A]TATGTGCTTATATTTGCTTATAGCTCACTGTATATGGCCATTTTTATTTTTTAGATTGCT-3'